The following is an entry in ClinVar:

ClinVar aggregate classification (germline): Uncertain significance. Review status: criteria provided, single submitter (1 of 4 stars). 2 submissions from 2 submitters: Uncertain significance (1). 1 of the submissions does not count toward it. Last evaluated 2024-02-19.

Conditions:
PLXNA1-related disorder. Also called: PLXNA1-related condition.

Allele frequency attached by ClinVar (database versions not stated): gnomAD 0.00001; TOPMed 0.00001; gnomAD exomes 0.00002; ExAC 0.00005.
gnomAD v4.1: 25 of 1,612,536 alleles (0.0016%); highest among the groups gnomAD compares: South Asian, 0.0055%; no homozygotes.

Submissions (2):

Labcorp Genetics (formerly Invitae), Labcorp
Classification: Uncertain significance. Last evaluated: 2024-02-19. Review status: criteria provided, single submitter. Criteria: Invitae Variant Classification Sherloc (09022015). Collection method: clinical testing. Allele origin: germline.
Comment: This sequence change replaces serine, which is neutral and polar, with leucine, which is neutral and non-polar, at codon 1237 of the PLXNA1 protein (p.Ser1237Leu). This variant is present in population databases (rs759113558, gnomAD 0.01%). This variant has not been reported in the literature in individuals affected with PLXNA1-related conditions. ClinVar contains an entry for this variant (Variation ID: 2115738). Advanced modeling of protein sequence and biophysical properties (such as structural, functional, and spatial information, amino acid conservation, physicochemical variation, residue mobility, and thermodynamic stability) performed at Invitae indicates that this missense variant is not expected to disrupt PLXNA1 protein function with a negative predictive value of 80%. In summary, the available evidence is currently insufficient to determine the role of this variant in disease. Therefore, it has been classified as a Variant of Uncertain Significance.

PreventionGenetics, part of Exact Sciences
Classification: Uncertain significance for PLXNA1-related condition. Last evaluated: 2024-06-11. Review status: no assertion criteria provided. Collection method: clinical testing. Allele origin: germline. Not counted in ClinVar's aggregate classification.
Comment: The PLXNA1 c.3710C>T variant is predicted to result in the amino acid substitution p.Ser1237Leu. To our knowledge, this variant has not been reported in the literature. This variant is reported in 0.010% of alleles in individuals of Ashkenazi Jewish descent in gnomAD. At this time, the clinical significance of this variant is uncertain due to the absence of conclusive functional and genetic evidence.

NM_032242.4(PLXNA1):c.3710C>T (p.Ser1237Leu)

Gene: PLXNA1 (plexin A1; plus strand). Cytogenetic location: 3q21.3.
Variant type: single nucleotide variant.
Coding change: c.3710C>T on transcript NM_032242.4 (MANE Select); coding-DNA position 3710, C replaced by T.
Protein change: p.Ser1237Leu; replaces serine 1237 with leucine.
Molecular consequence: missense variant.
Genome position (GRCh38, 1-based): chr3:127,018,343, C>T. VCF-style: chr3-127018343-C-T. GRCh37 (hg19) VCF-style: chr3-126737186-C-T.
Other names: c.3710C>T (NM_032242.3); short protein forms S1237L.
Identifiers: ClinVar variation 2115738 (VCV002115738.4), dbSNP rs759113558, ClinGen allele CA2594128.